The following is an entry in ClinVar:

NM_000232.5(SGCB):c.346A>G (p.Met116Val)

Gene: SGCB (sarcoglycan beta; minus strand). Cytogenetic location: 4q12.
Variant type: single nucleotide variant.
Coding change: c.346A>G on transcript NM_000232.5 (MANE Select); coding-DNA position 346, A replaced by G.
Protein change: p.Met116Val; replaces methionine 116 with valine.
Molecular consequence: missense variant.
Genome position (GRCh38, 1-based): chr4:52,029,761, T>C on the plus strand (A>G on the coding strand, the complement: SGCB is on the minus strand). VCF-style: chr4-52029761-T-C. GRCh37 (hg19) VCF-style: chr4-52895927-T-C.
Other names: c.346A>G (NM_000232.4); short protein forms M116V.
Identifiers: ClinVar variation 285260 (VCV000285260.11), dbSNP rs752168132, ClinGen allele CA2918434.

ClinVar aggregate classification (germline): Conflicting classifications of pathogenicity. Review status: criteria provided, conflicting classifications (1 of 4 stars). 5 submissions from 5 submitters: Pathogenic (2); Likely pathogenic (1); Uncertain significance (2). Last evaluated 2025-09-02.

Conditions:
Autosomal recessive limb-girdle muscular dystrophy type 2E (LGMDR4). Also called: MUSCULAR DYSTROPHY, LIMB-GIRDLE, AUTOSOMAL RECESSIVE 4. Identifiers: Orphanet 119, MedGen C1858593, MONDO:0011423, OMIM 604286. Disease mechanism: Affects gamma-sarcoglycan and also disrupts the integrity of the entire sarcoglycan complex..

Allele frequency attached by ClinVar (database versions not stated): gnomAD exomes below 0.00001 and 0.00001; ExAC 0.00001.

Submissions (5):

Labcorp Genetics (formerly Invitae), Labcorp
Classification: Pathogenic for Autosomal recessive limb-girdle muscular dystrophy type 2E. Last evaluated: 2025-09-02. Review status: criteria provided, single submitter. Criteria: Invitae Variant Classification Sherloc (09022015). Collection method: clinical testing. Allele origin: germline.
Comment: This sequence change replaces methionine, which is neutral and non-polar, with valine, which is neutral and non-polar, at codon 116 of the SGCB protein (p.Met116Val). This variant is present in population databases (rs752168132, gnomAD 0.003%). This missense change has been observed in individual(s) with clinical features of limb-girdle muscular dystrophy (PMID: 31069529, 33250842; internal data). In at least one individual the data is consistent with being in trans (on the opposite chromosome) from a pathogenic variant. ClinVar contains an entry for this variant (Variation ID: 285260). Invitae Evidence Modeling of protein sequence and biophysical properties (such as structural, functional, and spatial information, amino acid conservation, physicochemical variation, residue mobility, and thermodynamic stability) indicates that this missense variant is not expected to disrupt SGCB protein function with a negative predictive value of 80%. Experimental studies have shown that this missense change affects SGCB function (PMID: 37317968). For these reasons, this variant has been classified as Pathogenic.

GeneDx
Classification: Likely pathogenic. Last evaluated: 2025-02-26. Review status: criteria provided, single submitter. Criteria: GeneDx Variant Classification Process June 2021. Collection method: clinical testing. Allele origin: germline. Affected: yes.
Comment: Published functional studies indicate that the variant may produce a non-functional protein product, however additional studies are needed to determine the functional impact of this variant (PMID: 37317968); Not observed at significant frequency in large population cohorts (gnomAD); Missense variants in this gene are a common cause of disease and they are underrepresented in the general population; In silico analysis indicates that this missense variant does not alter protein structure/function; This variant is associated with the following publications: (PMID: 31069529, 37317968, 33250842)

Revvity Omics, Revvity
Classification: Pathogenic for Autosomal recessive limb-girdle muscular dystrophy type 2E. Last evaluated: 2024-06-21. Review status: criteria provided, single submitter. Criteria: ACMG Guidelines, 2015. Collection method: clinical testing. Allele origin: germline.

3billion
Classification: Uncertain significance for Autosomal recessive limb-girdle muscular dystrophy type 2E. Last evaluated: 2022-05-22. Review status: criteria provided, single submitter. Criteria: ACMG Guidelines, 2015. Collection method: clinical testing. Allele origin: germline. Affected: yes. Observed: 1 homozygote.
Comment: Amino acid change identical to known pathogenic variant has been previously reported with supporting evidence; this might be considered evidence of a supporting level (PMID:33250842). It has been reported with an extremely low frequency in the gnomAD v2.1.1 dataset. In silico prediction tools and conservation analysis predicted that this variant was probably damaging to the protein structure/function (REVEL: 0.864>=0.6). herefore, this variant is classified as uncertain significanceaccording to the recommendation of ACMG/AMP guideline.

Eurofins Ntd Llc (ga)
Classification: Uncertain significance. Last evaluated: 2015-12-07. Review status: criteria provided, single submitter. Criteria: EGL Classification Definitions 2015. Collection method: clinical testing. Allele origin: germline. Observed: 1 variant allele, 1 heterozygote.

Literature cited by the submitters: PubMed 31069529 (cited by Labcorp Genetics (formerly Invitae), Labcorp); PubMed 33250842 (cited by Labcorp Genetics (formerly Invitae), Labcorp and 3billion); PubMed 37317968 (cited by Labcorp Genetics (formerly Invitae), Labcorp).